The following is an entry in ClinVar:

NM_000057.4(BLM):c.1867A>G (p.Ile623Val)

Gene: BLM (BLM RecQ like helicase; plus strand). Cytogenetic location: 15q26.1.
Variant type: single nucleotide variant.
Coding change: c.1867A>G on transcript NM_000057.4 (MANE Select); coding-DNA position 1867, A replaced by G.
Protein change: p.Ile623Val; replaces isoleucine 623 with valine.
Molecular consequence: missense variant.
Genome position (GRCh38, 1-based): chr15:90,761,240, A>G. VCF-style: chr15-90761240-A-G. GRCh37 (hg19) VCF-style: chr15-91304470-A-G.
Other names: c.1867A>G, p.Ile623Val (NM_001287246.2, NM_001287247.2); c.742A>G, p.Ile248Val (NM_001287248.2); short protein forms I248V, I623V.
Identifiers: ClinVar variation 3224097 (VCV003224097.1), dbSNP rs959343054, ClinGen allele CA274738487.

ClinVar aggregate classification (germline): Uncertain significance (1 of 4 stars; one submission).

Conditions:
Hereditary cancer-predisposing syndrome. Also called: Tumor predisposition; Hereditary neoplastic syndrome; Hereditary Cancer Syndrome; Neoplastic Syndromes, Hereditary. Identifiers: Orphanet 140162, MedGen C0027672, MeSH D009386, MONDO:0015356.

Allele frequency attached by ClinVar (database versions not stated): gnomAD exomes below 0.00001.
gnomAD v4.1: 1 of 1,534,476 alleles (0.000065%); highest among the groups gnomAD compares: Non-Finnish European, 0.000087%; no homozygotes.

Submission:

Ambry Genetics
Classification: Uncertain significance for Hereditary cancer-predisposing syndrome. Last evaluated: 2022-11-30. Review status: criteria provided, single submitter. Criteria: Ambry Variant Classification Scheme 2023. Collection method: clinical testing. Allele origin: germline.
Comment: The p.I623V variant (also known as c.1867A>G), located in coding exon 6 of the BLM gene, results from an A to G substitution at nucleotide position 1867. The isoleucine at codon 623 is replaced by valine, an amino acid with highly similar properties. This amino acid position is conserved. In addition, this alteration is predicted to be tolerated by in silico analysis. Since supporting evidence is limited at this time, the clinical significance of this alteration remains unclear.